The following is an entry in ClinVar:

ClinVar aggregate classification (germline): Uncertain significance. Review status: criteria provided, multiple submitters, no conflicts (2 of 4 stars). 2 submissions from 2 submitters: Uncertain significance (2). Last evaluated 2025-01-21.

Conditions:
Muscular dystrophy-dystroglycanopathy (congenital with brain and eye anomalies), type A, 7. Also called: WALKER-WARBURG SYNDROME OR MUSCLE-EYE-BRAIN DISEASE, ISPD-RELATED; Congenital muscular dystrophy-dystroglycanopathy with brain and eye anomalies, type A7. Identifiers: Orphanet 899, MedGen C3553330, MONDO:0013835, OMIM 614643.
Autosomal recessive limb-girdle muscular dystrophy type 2U. Also called: MUSCULAR DYSTROPHY, LIMB-GIRDLE, TYPE 2U; Muscular dystrophy-dystroglycanopathy (limb-girdle), type c, 7. Identifiers: Orphanet 352479, MedGen C5190987, MONDO:0014474, OMIM 616052.

gnomAD v4.1: 3 of 1,289,582 alleles (0.00023%); highest among the groups gnomAD compares: Non-Finnish European, 0.0003%; no homozygotes.

Submissions (2):

Revvity Omics, Revvity
Classification: Uncertain significance. Last evaluated: 2025-01-21. Review status: criteria provided, single submitter. Criteria: ACMG Guidelines, 2015. Collection method: clinical testing. Allele origin: germline.

Labcorp Genetics (formerly Invitae), Labcorp
Classification: Uncertain significance for Muscular dystrophy-dystroglycanopathy (congenital with brain and eye anomalies), type A, 7; Autosomal recessive limb-girdle muscular dystrophy type 2U. Last evaluated: 2021-08-26. Review status: criteria provided, single submitter. Criteria: Invitae Variant Classification Sherloc (09022015). Collection method: clinical testing. Allele origin: germline.
Comment: This sequence change replaces alanine with serine at codon 83 of the ISPD protein (p.Ala83Ser). The alanine residue is highly conserved and there is a moderate physicochemical difference between alanine and serine. The frequency data for this variant in the population databases is considered unreliable, as metrics indicate insufficient coverage at this position in the ExAC database. This variant has not been reported in the literature in individuals affected with ISPD-related conditions. Algorithms developed to predict the effect of missense changes on protein structure and function are either unavailable or do not agree on the potential impact of this missense change (SIFT: "Deleterious"; PolyPhen-2: "Benign"; Align-GVGD: "Class C0"). In summary, the available evidence is currently insufficient to determine the role of this variant in disease. Therefore, it has been classified as a Variant of Uncertain Significance.

NM_001101426.4(CRPPA):c.247G>T (p.Ala83Ser)

Gene: CRPPA (CDP-L-ribitol pyrophosphorylase A; minus strand). Cytogenetic location: 7p21.2.
Variant type: single nucleotide variant.
Coding change: c.247G>T on transcript NM_001101426.4 (MANE Select); coding-DNA position 247, G replaced by T.
Protein change: p.Ala83Ser; replaces alanine 83 with serine.
Molecular consequence: missense variant. On other transcripts: non-coding transcript variant (1).
Genome position (GRCh38, 1-based): chr7:16,421,076, C>A on the plus strand (G>T on the coding strand, the complement: CRPPA is on the minus strand). VCF-style: chr7-16421076-C-A. GRCh37 (hg19) VCF-style: chr7-16460701-C-A.
Other names: c.247G>T, p.Ala83Ser (NM_001101417.4, NM_001368197.1); short protein forms A83S.
Identifiers: ClinVar variation 1063026 (VCV001063026.7), dbSNP rs2128321450, ClinGen allele CA367003857.
Genomic context (GRCh38, chr7:16,421,076, plus strand): 5'-CGGGAGGCCGGGCCCCAGGGAACCGCGGGGCGCGCCCGGCGCCGCATTACCTCTCCAGGG[C>A]CTGTAGGGTGTAGCTGATGAGCGGCCTCTCCAGGATGGGGCAGAATTGCTTCGGGGTGGG-3'
Protein context (NP_001094896.1, residues 73-93): ERPLISYTLQ[Ala83Ser]LERVCWIKDI